The following is an entry in ClinVar:

NM_002381.5(MATN3):c.686C>A (p.Ser229Tyr)

Gene: MATN3 (matrilin 3; minus strand). Cytogenetic location: 2p24.1.
Variant type: single nucleotide variant.
Coding change: c.686C>A on transcript NM_002381.5 (MANE Select); coding-DNA position 686, C replaced by A.
Protein change: p.Ser229Tyr; replaces serine 229 with tyrosine.
Molecular consequence: missense variant.
Genome position (GRCh38, 1-based): chr2:20,005,848, G>T on the plus strand (C>A on the coding strand, the complement: MATN3 is on the minus strand). VCF-style: chr2-20005848-G-T. GRCh37 (hg19) VCF-style: chr2-20205609-G-T.
Other names: short protein forms S229Y.
Identifiers: ClinVar variation 4697118 (VCV004697118.3).

ClinVar aggregate classification (germline): Uncertain significance. Review status: criteria provided, multiple submitters, no conflicts (2 of 4 stars). 2 submissions from 2 submitters: Uncertain significance (2). Last evaluated 2025-09-28.

Conditions:
Multiple epiphyseal dysplasia type 5 (EDM5). Also called: MATN3-Related Multiple Epiphyseal Dysplasia; Microepiphyseal dysplasia, bilateral hereditary. Identifiers: Orphanet 93311, MedGen C1846843, MONDO:0011765, OMIM 607078.

gnomAD v4.1: 10 of 1,610,242 alleles (0.00062%); highest among the groups gnomAD compares: Admixed American, 0.015%; no homozygotes.

Submissions (2):

Labcorp Genetics (formerly Invitae), Labcorp
Classification: Uncertain significance. Last evaluated: 2025-09-28. Review status: criteria provided, single submitter. Criteria: Invitae Variant Classification Sherloc (09022015). Collection method: clinical testing. Allele origin: germline.
Comment: This sequence change replaces serine, which is neutral and polar, with tyrosine, which is neutral and polar, at codon 229 of the MATN3 protein (p.Ser229Tyr). This variant is present in population databases (rs773830850, gnomAD 0.02%). This variant has not been reported in the literature in individuals affected with MATN3-related conditions. Invitae Evidence Modeling of protein sequence and biophysical properties (such as structural, functional, and spatial information, amino acid conservation, physicochemical variation, residue mobility, and thermodynamic stability) indicates that this missense variant is expected to disrupt MATN3 protein function with a positive predictive value of 80%. In summary, the available evidence is currently insufficient to determine the role of this variant in disease. Therefore, it has been classified as a Variant of Uncertain Significance.

Dasa
Classification: Uncertain significance for Multiple epiphyseal dysplasia type 5. Last evaluated: 2025-05-28. Review status: criteria provided, single submitter. Criteria: DASA Assertion Criteria. Collection method: clinical testing. Allele origin: germline.
Comment: NM_002381.5(MATN3):c.686C>A (p.Ser229Tyr) is a missense variant that results in the substitution of serine with tyrosine. This variant is rare in population databases. Computational prediction algorithms are consistent with a deleterious effect. The currently available literature and clinical evidence are not sufficient to establish a definitive association between this variant and the reported condition. Therefore, this variant is classified as a variant of uncertain significance.